The following is an entry in ClinVar:

ClinVar aggregate classification (germline): Uncertain significance (1 of 4 stars; one submission).

Conditions:
Congenital myasthenic syndrome 4A. Also called: CONGENITAL MYASTHENIC SYNDROME TYPE Ia1; Myasthenic syndrome, congenital, 4a, slow-channel; MYASTHENIC SYNDROME, CONGENITAL, 4A, SLOW-CHANNEL, AUTOSOMAL RECESSIVE. Identifiers: Orphanet 590, MedGen C4225413, MONDO:0011600, OMIM 605809.

Allele frequency attached by ClinVar (database versions not stated): gnomAD exomes below 0.00001.

Submission:

Labcorp Genetics (formerly Invitae), Labcorp
Classification: Uncertain significance for Congenital myasthenic syndrome 4A. Last evaluated: 2022-08-26. Review status: criteria provided, single submitter. Criteria: Invitae Variant Classification Sherloc (09022015). Collection method: clinical testing. Allele origin: germline.
Comment: This sequence change replaces aspartic acid, which is acidic and polar, with asparagine, which is neutral and polar, at codon 193 of the CHRNE protein (p.Asp193Asn). This variant is not present in population databases (gnomAD no frequency). This variant has not been reported in the literature in individuals affected with CHRNE-related conditions. Advanced modeling of protein sequence and biophysical properties (such as structural, functional, and spatial information, amino acid conservation, physicochemical variation, residue mobility, and thermodynamic stability) performed at Invitae indicates that this missense variant is not expected to disrupt CHRNE protein function. In summary, the available evidence is currently insufficient to determine the role of this variant in disease. Therefore, it has been classified as a Variant of Uncertain Significance.

NM_000080.4(CHRNE):c.577G>A (p.Asp193Asn)

Genes: C17orf107 (chromosome 17 open reading frame 107; plus strand), CHRNE (cholinergic receptor nicotinic epsilon subunit; minus strand). Cytogenetic location: 17p13.2.
Variant type: single nucleotide variant.
Coding change: c.577G>A on transcript NM_000080.4 (MANE Select); coding-DNA position 577, G replaced by A.
Protein change: p.Asp193Asn; replaces aspartic acid 193 with asparagine.
Molecular consequence: missense variant. On other transcripts: 3 prime UTR variant (1).
Genome position (GRCh38, 1-based): chr17:4,901,549, C>T on the plus strand (G>A on the coding strand, the complement: CHRNE is on the minus strand). VCF-style: chr17-4901549-C-T. GRCh37 (hg19) VCF-style: chr17-4804844-C-T.
Other names: c.*1016C>T (NM_001145536.2); short protein forms D193N.
Identifiers: ClinVar variation 2144449 (VCV002144449.1), dbSNP rs1969984860, ClinGen allele CA397305828.